The following is an entry in ClinVar:

NM_001372.4(DNAH9):c.4772C>A (p.Ala1591Glu)

Gene: DNAH9 (dynein axonemal heavy chain 9; plus strand). Cytogenetic location: 17p12.
Variant type: single nucleotide variant.
Coding change: c.4772C>A on transcript NM_001372.4 (MANE Select); coding-DNA position 4772, C replaced by A.
Protein change: p.Ala1591Glu; replaces alanine 1591 with glutamic acid.
Molecular consequence: missense variant.
Genome position (GRCh38, 1-based): chr17:11,694,347, C>A. VCF-style: chr17-11694347-C-A. GRCh37 (hg19) VCF-style: chr17-11597664-C-A.
Other names: short protein forms A1591E.
Identifiers: ClinVar variation 3692468 (VCV003692468.2).
Genomic context (GRCh38, chr17:11,694,347, plus strand): 5'-CTTAACTGGGAAATTCTATGTTCTGTGCCCTCAGATTGTGCCTGTGTGAGAAGGCCCTGG[C>A]AGAGTACCTCGACACCAAGAGGCTTGCCTTCCCGCGGTTTTACTTTCTCTCCTCCTCCGA-3'
Protein context (NP_001363.2, residues 1581-1601): GRLCLCEKAL[Ala1591Glu]EYLDTKRLAF

ClinVar aggregate classification (germline): Uncertain significance (1 of 4 stars; one submission).

Submission:

Labcorp Genetics (formerly Invitae), Labcorp
Classification: Uncertain significance. Last evaluated: 2024-10-02. Review status: criteria provided, single submitter. Criteria: Invitae Variant Classification Sherloc (09022015). Collection method: clinical testing. Allele origin: germline.
Comment: This sequence change replaces alanine, which is neutral and non-polar, with glutamic acid, which is acidic and polar, at codon 1591 of the DNAH9 protein (p.Ala1591Glu). This variant is not present in population databases (gnomAD no frequency). This variant has not been reported in the literature in individuals affected with DNAH9-related conditions. Invitae Evidence Modeling of protein sequence and biophysical properties (such as structural, functional, and spatial information, amino acid conservation, physicochemical variation, residue mobility, and thermodynamic stability) has been performed for this missense variant. However, the output from this modeling did not meet the statistical confidence thresholds required to predict the impact of this variant on DNAH9 protein function. In summary, the available evidence is currently insufficient to determine the role of this variant in disease. Therefore, it has been classified as a Variant of Uncertain Significance.